The following is an entry in ClinVar:

ClinVar aggregate classification (germline): Likely benign (1 of 4 stars; one submission).

Conditions:
Intellectual developmental disorder with dysmorphic facies and behavioral abnormalities. Identifiers: MedGen C4748135, MONDO:0060760, OMIM 618089.

Submission:

Centre for Medical Genetics,  Mumbai
Classification: Likely benign for Intellectual developmental disorder with dysmorphic facies and behavioral abnormalities. Last evaluated: 2026-04-06. Review status: criteria provided, single submitter. Criteria: ACMG Guidelines, 2015. Collection method: provider interpretation. Allele origin: germline. Inheritance: Autosomal dominant inheritance. Affected: no. Observed: 1 variant allele, 1 heterozygote.
Comment: The variant satisfies PM2 criteria; Extremely low frequency in gnomAD population databases. However, the variant satisfies BS2 criteria; present in heterozygous state in an individual that clinically does not have intellectual developmental disorder with dysmorphic facies and behavioral abnormalities.

Literature cited by the submitters: PubMed 30057029.

NM_001190274.2(FBXO11):c.1616+6T>G

Gene: FBXO11 (F-box protein 11; minus strand). Cytogenetic location: 2p16.3.
Variant type: single nucleotide variant.
Coding change: c.1616+6T>G on transcript NM_001190274.2 (MANE Select); 6 bases into the intron after coding-DNA position 1616, T replaced by G.
Molecular consequence: intron variant.
Genome position (GRCh38, 1-based): chr2:47,823,137, A>C on the plus strand (T>G on the coding strand, the complement: FBXO11 is on the minus strand). VCF-style: chr2-47823137-A-C. GRCh37 (hg19) VCF-style: chr2-48050276-A-C.
Other names: c.1364+6T>G (NM_001374325.1, NM_025133.4).
Identifiers: ClinVar variation 4851266 (VCV004851266.1).